The following is an entry in ClinVar:

NM_001394372.1(BICRA):c.3885G>A (p.Pro1295=)

Gene: BICRA (BRD4 interacting chromatin remodeling complex associated protein; plus strand). Cytogenetic location: 19q13.33.
Variant type: single nucleotide variant.
Coding change: c.3885G>A on transcript NM_001394372.1 (MANE Select); coding-DNA position 3885, G replaced by A.
Protein change: p.Pro1295=; no amino-acid change (proline 1295 retained).
Molecular consequence: synonymous variant.
Genome position (GRCh38, 1-based): chr19:47,701,617, G>A. VCF-style: chr19-47701617-G-A. GRCh37 (hg19) VCF-style: chr19-48204874-G-A.
Other names: c.3885G>A, p.Pro1295= (NM_015711.3).
Identifiers: ClinVar variation 4534475 (VCV004534475.6).

ClinVar aggregate classification (germline): Likely benign (1 of 4 stars; one submission).

gnomAD v4.1: 17 of 1,569,256 alleles (0.0011%); highest among the groups gnomAD compares: South Asian, 0.007%; no homozygotes.

Submission:

CeGaT Center for Human Genetics Tuebingen
Classification: Likely benign. Last evaluated: 2025-11-01. Review status: criteria provided, single submitter. Criteria: CeGaT Center For Human Genetics Tuebingen Variant Classification Criteria Version 2. Collection method: clinical testing. Allele origin: germline. Affected: yes. Observed: 1 variant allele.
Comment: BICRA: BP4, BP7